The following is an entry in ClinVar:

ClinVar aggregate classification (germline): Uncertain significance (1 of 4 stars; one submission).

Conditions:
KMT2D-related disorder. Also called: KMT2D-Related Disorders.

Submission:

PreventionGenetics, part of Exact Sciences
Classification: Uncertain significance for KMT2D-related condition. Last evaluated: 2023-06-27. Review status: criteria provided, single submitter. Criteria: ACMG Guidelines, 2015. Collection method: clinical testing. Allele origin: germline.
Comment: The KMT2D c.4906G>C variant is predicted to result in the amino acid substitution p.Gly1636Arg. To our knowledge, this variant has not been reported in the literature or in a large population database, indicating this variant is rare. At this time, the clinical significance of this variant is uncertain due to the absence of conclusive functional and genetic evidence.

NM_003482.4(KMT2D):c.4906G>C (p.Gly1636Arg)

Gene: KMT2D (lysine methyltransferase 2D; minus strand). Cytogenetic location: 12q13.12.
Variant type: single nucleotide variant.
Coding change: c.4906G>C on transcript NM_003482.4 (MANE Select); coding-DNA position 4906, G replaced by C.
Protein change: p.Gly1636Arg; replaces glycine 1636 with arginine.
Molecular consequence: missense variant.
Genome position (GRCh38, 1-based): chr12:49,044,801, C>G on the plus strand (G>C on the coding strand, the complement: KMT2D is on the minus strand). VCF-style: chr12-49044801-C-G. GRCh37 (hg19) VCF-style: chr12-49438584-C-G.
Other names: short protein forms G1636R.
Identifiers: ClinVar variation 2628637 (VCV002628637.1), dbSNP rs2120587809, ClinGen allele CA384639923.